The following is an entry in ClinVar:

NM_004304.5(ALK):c.3002G>A (p.Ser1001Asn)

Gene: ALK (ALK receptor tyrosine kinase; minus strand). Cytogenetic location: 2p23.2.
Variant type: single nucleotide variant.
Coding change: c.3002G>A on transcript NM_004304.5 (MANE Select); coding-DNA position 3002, G replaced by A.
Protein change: p.Ser1001Asn; replaces serine 1001 with asparagine.
Molecular consequence: missense variant.
Genome position (GRCh38, 1-based): chr2:29,226,987, C>T on the plus strand (G>A on the coding strand, the complement: ALK is on the minus strand). VCF-style: chr2-29226987-C-T. GRCh37 (hg19) VCF-style: chr2-29449853-C-T.
Other names: short protein forms S1001N.
Identifiers: ClinVar variation 538233 (VCV000538233.12), dbSNP rs997289275, ClinGen allele CA44634354.

ClinVar aggregate classification (germline): Uncertain significance. Review status: criteria provided, multiple submitters, no conflicts (2 of 4 stars). 2 submissions from 2 submitters: Uncertain significance (2). Last evaluated 2025-10-20.

Conditions:
Hereditary cancer-predisposing syndrome. Also called: Neoplastic Syndromes, Hereditary; Tumor predisposition; Hereditary Cancer Syndrome; Hereditary neoplastic syndrome. Identifiers: Orphanet 140162, MedGen C0027672, MeSH D009386, MONDO:0015356.
Neuroblastoma, susceptibility to, 3. Also called: ALK-Related Neuroblastic Tumor Susceptibility. Identifiers: Orphanet 635, MedGen C2751681, MONDO:0013083, OMIM 613014.

Allele frequency attached by ClinVar (database versions not stated): gnomAD 0.00001.
gnomAD v4.1: 2 of 1,614,082 alleles (0.00012%); highest among the groups gnomAD compares: African/African-American, 0.0013%; no homozygotes.

Submissions (2):

Labcorp Genetics (formerly Invitae), Labcorp
Classification: Uncertain significance for Neuroblastoma, susceptibility to, 3. Last evaluated: 2025-10-20. Review status: criteria provided, single submitter. Criteria: Invitae Variant Classification Sherloc (09022015). Collection method: clinical testing. Allele origin: germline.
Comment: This sequence change replaces serine, which is neutral and polar, with asparagine, which is neutral and polar, at codon 1001 of the ALK protein (p.Ser1001Asn). This variant is not present in population databases (gnomAD no frequency). This variant has not been reported in the literature in individuals affected with ALK-related conditions. ClinVar contains an entry for this variant (Variation ID: 538233). An algorithm developed to predict the effect of missense changes on protein structure and function (PolyPhen-2) suggests that this variant is likely to be tolerated. In summary, the available evidence is currently insufficient to determine the role of this variant in disease. Therefore, it has been classified as a Variant of Uncertain Significance.

Ambry Genetics
Classification: Uncertain significance for Hereditary cancer-predisposing syndrome. Last evaluated: 2025-08-20. Review status: criteria provided, single submitter. Criteria: Ambry Variant Classification Scheme 2023. Collection method: clinical testing. Allele origin: germline.